The following is an entry in ClinVar:

NM_001244008.2(KIF1A):c.761G>A (p.Arg254Gln)

Gene: KIF1A (kinesin family member 1A; minus strand). Cytogenetic location: 2q37.3.
Variant type: single nucleotide variant.
Coding change: c.761G>A on transcript NM_001244008.2 (MANE Select); coding-DNA position 761, G replaced by A.
Protein change: p.Arg254Gln; replaces arginine 254 with glutamine.
Molecular consequence: missense variant.
Genome position (GRCh38, 1-based): chr2:240,783,776, C>T on the plus strand (G>A on the coding strand, the complement: KIF1A is on the minus strand). VCF-style: chr2-240783776-C-T. GRCh37 (hg19) VCF-style: chr2-241723193-C-T.
Other names: c.761G>A, p.Arg254Gln (NM_001320705.2, NM_001330289.2, NM_001330290.2 and 20 more transcripts); short protein forms R254Q.
Identifiers: ClinVar variation 280500 (VCV000280500.86), dbSNP rs886041692, ClinGen allele CA10602852.

ClinVar aggregate classification (germline): Pathogenic/Likely pathogenic. Review status: criteria provided, multiple submitters, no conflicts (2 of 4 stars). 12 submissions from 12 submitters: Pathogenic (8); Likely pathogenic (2). 2 of the submissions do not count toward it. Last evaluated 2026-01-29.

Conditions:
Spastic paraplegia 30A, autosomal dominant. Identifiers: MedGen CN380650, MONDO:0700307, OMIM 610357.
Neuropathy, hereditary sensory, type 2C. Also called: Hereditary sensory and autonomic neuropathy type IIC; KIF1A-Related HSAN2 (HSAN2C). Identifiers: Orphanet 970, MedGen C3280168, MONDO:0013634, OMIM 614213.
Hereditary spastic paraplegia 30. Identifiers: Orphanet 101010, MedGen C5235139, MONDO:0012476.
Intellectual disability, autosomal dominant 9 (NESCAVS). Also called: KIF1A-Related Neurodevelopmental Disorder; NESCAV SYNDROME. Identifiers: Orphanet 662367, MedGen C5393830, MONDO:0013656, OMIM 614255.

Submissions (12):

GeneDx
Classification: Pathogenic. Last evaluated: 2026-01-29. Review status: criteria provided, single submitter. Criteria: GeneDx Variant Classification Process June 2021. Collection method: clinical testing. Allele origin: germline. Affected: yes.
Comment: Not observed at significant frequency in large population cohorts (gnomAD); In silico analysis supports that this missense variant has a deleterious effect on protein structure/function; This variant is associated with the following publications: (PMID: 26354034, 28332297, 30612907, 33880452, 35917346, 34234304, 37251230, 33057194, 36247768, 38105687, 36305856, 35982159, 38760879, 38785164, 21376300, 21820098, 26125038)

Variantyx, Inc.
Classification: Pathogenic for Spastic paraplegia 30A, autosomal dominant. Last evaluated: 2025-12-02. Review status: criteria provided, single submitter. Criteria: Variantyx Assertion Criteria 2022. Collection method: clinical testing. Allele origin: de novo. Inheritance: Autosomal dominant inheritance. Affected: yes.
Comment: This is a nonsynonymous variant in the KIF1A gene (OMIM: 601255). Pathogenic variants in this gene have been associated with autosomal dominant spastic paraplegia 30. Functional studies have shown that this variant alters KIF1A protein function (PMID: 35917346) (PS3), and multiple computational algorithms predict a deleterious effect for this variant (REVEL score: 0.784) (PP3). Moreover, two alternate amino acid changes at this position (p.Arg254Trp,¬†p.Arg254Gly) have been previously reported in similarly affected individuals, which suggests that this residue is biologically important (PMID: 26354034, 30564185) (PM5). This variant is absent from control populations (PM2). Based on the current evidence, this variant is classified as pathogenic for autosomal dominant spastic paraplegia 30.

Labcorp Genetics (formerly Invitae), Labcorp
Classification: Pathogenic for Hereditary spastic paraplegia 30; Neuropathy, hereditary sensory, type 2C; Intellectual disability, autosomal dominant 9. Last evaluated: 2025-03-15. Review status: criteria provided, single submitter. Criteria: Invitae Variant Classification Sherloc (09022015). Collection method: clinical testing. Allele origin: germline.
Comment: This sequence change replaces arginine, which is basic and polar, with glutamine, which is neutral and polar, at codon 254 of the KIF1A protein (p.Arg254Gln). This variant is not present in population databases (gnomAD no frequency). This missense change has been observed in individual(s) with lower limb spasticity, ataxic gait and cerebellar atrophy (PMID: 26354034). In at least one individual the variant was observed to be de novo. ClinVar contains an entry for this variant (Variation ID: 280500). Invitae Evidence Modeling of protein sequence and biophysical properties (such as structural, functional, and spatial information, amino acid conservation, physicochemical variation, residue mobility, and thermodynamic stability) indicates that this missense variant is expected to disrupt KIF1A protein function with a positive predictive value of 95%. This variant disrupts the p.Arg254 amino acid residue in KIF1A. Other variant(s) that disrupt this residue have been determined to be pathogenic (PMID: 26354034). This suggests that this residue is clinically significant, and that variants that disrupt this residue are likely to be disease-causing. For these reasons, this variant has been classified as Pathogenic.

Neurometabolic Diseases Laboratory, Bellvitge Biomedical Research Institute (IDIBELL)
Classification: Pathogenic for Spastic paraplegia 30A, autosomal dominant. Last evaluated: 2023-04-27. Review status: criteria provided, single submitter. Criteria: ACMG Guidelines, 2015. Collection method: research. Allele origin: germline. Affected: yes.

Women's Health and Genetics/Laboratory Corporation of America, LabCorp
Classification: Pathogenic for Intellectual disability, autosomal dominant 9. Last evaluated: 2022-05-24. Review status: criteria provided, single submitter. Criteria: LabCorp Variant Classification Summary - May 2015. Collection method: clinical testing. Allele origin: germline.
Comment: Variant summary: KIF1A c.761G>A (p.Arg254Gln) results in a conservative amino acid change located in the Kinesin motor domain (IPR001752) of the encoded protein sequence. Four of five in-silico tools predict a damaging effect of the variant on protein function. The variant was absent in 210076 control chromosomes (gnomAD and publication data). c.761G>A has been reported in the literature in individuals affected with KIF1A-associated neurological disorder (Ohba_2015, Rudenskaya_2020, Boyle_2021), including one de novo occurrence. These data indicate that the variant is likely to be associated with disease. To our knowledge, no experimental evidence demonstrating an impact on protein function has been reported. In addition, p.Arg254 is close to the ATP binding site of KIF1A and involved in ATP and motor protein binding (CryoEM structure, Boyle_2021). Other missense substitutions at this codon (p.Arg254Pro, p.Arg254Gly and p.Arg254Trp) have been reported in affected individuals and classified as pathogenic/likely pathogenic in ClinVar database, suggesting that this arginine residue is critical for KIF1A protein function. Eight ClinVar submitters (evaluation after 2014) cite the variant as pathogenic (n=6) and likely pathogenic (n=2). Based on the evidence outlined above, the variant was classified as pathogenic.

CENTOGENE GmbH and LLC - Guiding Precision Medicine
Classification: Pathogenic for Spastic paraplegia 30A, autosomal dominant. Last evaluated: 2021-04-30. Review status: criteria provided, single submitter. Criteria: ACMG Guidelines, 2015. Collection method: clinical testing. Allele origin: germline. Affected: yes.

Institute of Medical Genetics and Applied Genomics, University Hospital Tübingen
Classification: Likely pathogenic. Last evaluated: 2020-10-23. Review status: criteria provided, single submitter. Criteria: ACMG Guidelines, 2015. Collection method: clinical testing. Allele origin: germline. Inheritance: Autosomal unknown. Affected: yes.

CeGaT Center for Human Genetics Tuebingen
Classification: Pathogenic. Last evaluated: 2020-07-01. Review status: criteria provided, single submitter. Criteria: CeGaT Center For Human Genetics Tuebingen Variant Classification Criteria Version 2. Collection method: clinical testing. Allele origin: germline. Affected: yes. Observed: 1 variant allele.

SIB Swiss Institute of Bioinformatics
Classification: Pathogenic for Intellectual disability, autosomal dominant 9. Last evaluated: 2020-06-15. Review status: criteria provided, single submitter. Criteria: ACMG Guidelines, 2015. Collection method: curation. Allele origin: unknown.
Comment: This variant is interpreted as pathogenic for NESCAV syndrome, autosomal dominant. The following ACMG Tag(s) were applied: Absent from controls (or at extremely low frequency if recessive) in Exome Sequencing Project, 1000 Genomes Project, or Exome Aggregation Consortium (PM2); De novo (paternity and maternity confirmed) (PS2); Multiple lines of computational evidence support a deleterious effect on the gene or gene product (PP3); Missense variant in a gene that has a low rate of benign missense variation and in which missense variants are a common mechanism of disease (PP2); Novel missense change at an amino acid residue where a different missense change determined to be pathogenic has been seen before (PM5).

Institute of Human Genetics, University of Leipzig Medical Center
Classification: Likely pathogenic for Intellectual disability, autosomal dominant 9. Last evaluated: 2019-04-26. Review status: criteria provided, single submitter. Criteria: ACMG Guidelines, 2015. Collection method: clinical testing. Allele origin: germline. Affected: yes. Observed: 1 variant allele.

Solve-RD Consortium
Classification: Likely pathogenic for Spastic paraplegia 30A, autosomal dominant. Last evaluated: 2022-06-01. Review status: no assertion criteria provided. Collection method: provider interpretation. Allele origin: inherited. Affected: yes. Not counted in ClinVar's aggregate classification.
Comment: Variant confirmed as disease-causing by referring clinical team

Variant identified during reanalysis of unsolved cases by the Solve-RD project. The Solve-RD project has received funding from the European Union’s Horizon 2020 research and innovation programme under grant agreement No 779257.

OMIM
Classification: Pathogenic for NESCAV SYNDROME. Last evaluated: 2020-04-16. Review status: no assertion criteria provided. Collection method: literature only. Allele origin: germline. Not counted in ClinVar's aggregate classification.

Literature cited by the submitters: PubMed 26354034 (cited by 5 submitters); PubMed 30564185 (cited by Variantyx, Inc.); PubMed 36247768 (cited by Variantyx, Inc.); PubMed 36305856 (cited by Variantyx, Inc.); PubMed 37251230 (cited by Variantyx, Inc.); PubMed 32746806 (cited by Variantyx, Inc. and Women's Health and Genetics/Laboratory Corporation of America, LabCorp); PubMed 35917346 (cited by Variantyx, Inc.); PubMed 31616253 (cited by Women's Health and Genetics/Laboratory Corporation of America, LabCorp); PubMed 33880452 (cited by Women's Health and Genetics/Laboratory Corporation of America, LabCorp); PubMed 39825153 (cited by Solve-RD Consortium).